The following is an entry in ClinVar:

ClinVar aggregate classification (germline): Uncertain significance (1 of 4 stars; one submission).

Conditions:
Frontotemporal dementia (FTD1). Also called: FRONTOTEMPORAL LOBAR DEGENERATION WITH TAU INCLUSIONS; FTLD WITH TAU INCLUSIONS; Frontotemporal Dementia with Parkinsonism-17 (FTDP-17); Frontotemporal lobe dementia (FLDEM); FRONTOTEMPORAL DEMENTIA WITH PARKINSONISM; FRONTOTEMPORAL LOBE DEMENTIA. Identifiers: Orphanet 282, MedGen C0338451, MONDO:0017276, OMIM 600274, HP:0002145.

Submission:

Labcorp Genetics (formerly Invitae), Labcorp
Classification: Uncertain significance for Frontotemporal dementia. Last evaluated: 2023-02-14. Review status: criteria provided, single submitter. Criteria: Invitae Variant Classification Sherloc (09022015). Collection method: clinical testing. Allele origin: germline.
Comment: This sequence change replaces threonine, which is neutral and polar, with isoleucine, which is neutral and non-polar, at codon 175 of the MAPT protein (p.Thr175Ile). This variant is not present in population databases (gnomAD no frequency). This variant has not been reported in the literature in individuals affected with MAPT-related conditions. Advanced modeling of protein sequence and biophysical properties (such as structural, functional, and spatial information, amino acid conservation, physicochemical variation, residue mobility, and thermodynamic stability) performed at Invitae indicates that this missense variant is not expected to disrupt MAPT protein function. In summary, the available evidence is currently insufficient to determine the role of this variant in disease. Therefore, it has been classified as a Variant of Uncertain Significance.

NM_001377265.1(MAPT):c.1700C>T (p.Thr567Ile)

Gene: MAPT (microtubule associated protein tau). Cytogenetic location: 17q21.31.
Variant type: single nucleotide variant.
Coding change: c.1700C>T on transcript NM_001377265.1 (MANE Select); coding-DNA position 1700, C replaced by T.
Protein change: p.Thr567Ile; replaces threonine 567 with isoleucine.
Molecular consequence: missense variant. On other transcripts: non-coding transcript variant (1).
Genome position (GRCh38, 1-based): chr17:45,991,554, C>T. VCF-style: chr17-45991554-C-T. GRCh37 (hg19) VCF-style: chr17-44068920-C-T.
Other names: c.1475C>T, p.Thr492Ile (NM_001123066.4, NM_016835.5); c.437C>T, p.Thr146Ile (NM_001123067.4, NM_001203251.2, NM_001377267.1); c.524C>T, p.Thr175Ile (NM_001203252.2, NM_005910.6); c.1502C>T, p.Thr501Ile (NM_001377266.1); c.350C>T, p.Thr117Ile (NM_001377268.1, NM_016834.5, NM_016841.5); short protein forms T117I, T501I, T146I, T567I, T492I, T175I.
Identifiers: ClinVar variation 2837312 (VCV002837312.3), dbSNP rs2509917869, ClinGen allele CA399977731.